The following is an entry in ClinVar:

ClinVar aggregate classification (germline): Uncertain significance. Review status: criteria provided, multiple submitters, no conflicts (2 of 4 stars). 2 submissions from 2 submitters: Uncertain significance (2). Last evaluated 2025-12-31.

Conditions:
Inborn genetic diseases. Identifiers: MedGen C0950123, MeSH D030342.
TJP2-related disorder. Also called: TJP2-related condition.

gnomAD v4.1: 7 of 1,613,226 alleles (0.00043%); highest among the groups gnomAD compares: Admixed American, 0.0017%; no homozygotes.

Submissions (2):

PreventionGenetics, part of Exact Sciences
Classification: Uncertain significance for TJP2-related condition. Last evaluated: 2025-12-31. Review status: criteria provided, single submitter. Criteria: ACMG Guidelines, 2015. Collection method: clinical testing. Allele origin: germline.
Comment: The TJP2 c.3315T>G variant is predicted to result in the amino acid substitution p.Asn1105Lys. To our knowledge, this variant has not been reported in the literature. This variant is reported in 0.0029% of alleles in individuals of Latino descent in gnomAD. At this time, the clinical significance of this variant is uncertain due to the absence of conclusive functional and genetic evidence.

Ambry Genetics
Classification: Uncertain significance for Inborn genetic diseases. Last evaluated: 2024-12-13. Review status: criteria provided, single submitter. Criteria: Ambry Variant Classification Scheme 2023. Collection method: clinical testing. Allele origin: germline.

NM_004817.4(TJP2):c.3315T>G (p.Asn1105Lys)

Gene: TJP2 (tight junction protein 2; plus strand). Cytogenetic location: 9q21.11.
Variant type: single nucleotide variant.
Coding change: c.3315T>G on transcript NM_004817.4 (MANE Select); coding-DNA position 3315, T replaced by G.
Protein change: p.Asn1105Lys; replaces asparagine 1105 with lysine.
Molecular consequence: missense variant. On other transcripts: intron variant (3).
Genome position (GRCh38, 1-based): chr9:69,251,358, T>G. VCF-style: chr9-69251358-T-G. GRCh37 (hg19) VCF-style: chr9-71866274-T-G.
Other names: c.3240T>G, p.Asn1080Lys (NM_001369870.1); c.3246T>G, p.Asn1082Lys (NM_001369871.1); c.3204T>G, p.Asn1068Lys (NM_001369872.1); c.2991T>G, p.Asn997Lys (NM_001369873.1); c.3327T>G, p.Asn1109Lys (NM_001369875.1); c.2812-1457T>G (NM_001170414.2); c.2881-1457T>G (NM_201629.3); c.2893-1457T>G (NM_001369874.1); and 2 more; short protein forms N1080K, N1068K, N1072K, N1105K, N1082K, N1109K, N1136K, N997K.
Identifiers: ClinVar variation 3807128 (VCV003807128.2).